The following is an entry in ClinVar:

ClinVar aggregate classification (germline): Uncertain significance (1 of 4 stars; one submission).

Allele frequency attached by ClinVar (database versions not stated): gnomAD exomes below 0.00001.
gnomAD v4.1: 4 of 1,614,072 alleles (0.00025%); highest among the groups gnomAD compares: Non-Finnish European, 0.00034%; no homozygotes.

Submission:

GeneDx
Classification: Uncertain significance. Last evaluated: 2017-09-07. Review status: criteria provided, single submitter. Criteria: GeneDx Variant Classification (06012015). Collection method: clinical testing. Allele origin: germline. Affected: yes.
Comment: The R642C variant in the SIN3A gene has not been reported previously as a pathogenic variant, nor as a benign variant, to our knowledge. This variant is not observed in large population cohorts (Lek et al., 2016; 1000 Genomes Consortium et al., 2015; Exome Variant Server). The R642C variant is a non-conservative amino acid substitution, which is likely to impact secondary protein structure as these residues differ in polarity, charge, size and/or other properties. This substitution occurs at a position that is conserved across species, and in silico analysis predicts this variant is probably damaging to the protein structure/function. We interpret R642C as a variant of uncertain significance.

NM_001145358.2(SIN3A):c.1924C>T (p.Arg642Cys)

Gene: SIN3A (SIN3 transcription regulator family member A; minus strand). Cytogenetic location: 15q24.2.
Variant type: single nucleotide variant.
Coding change: c.1924C>T on transcript NM_001145358.2 (MANE Select); coding-DNA position 1924, C replaced by T.
Protein change: p.Arg642Cys; replaces arginine 642 with cysteine.
Molecular consequence: missense variant.
Genome position (GRCh38, 1-based): chr15:75,396,427, G>A on the plus strand (C>T on the coding strand, the complement: SIN3A is on the minus strand). VCF-style: chr15-75396427-G-A. GRCh37 (hg19) VCF-style: chr15-75688768-G-A.
Other names: c.1924C>T, p.Arg642Cys (NM_001145357.2, NM_015477.3); short protein forms R642C.
Identifiers: ClinVar variation 424426 (VCV000424426.2), dbSNP rs1064796962, ClinGen allele CA16620010.